The following is an entry in ClinVar:

ClinVar aggregate classification (germline): Likely pathogenic (1 of 4 stars; one submission).

Conditions:
Cardiovascular phenotype. Identifiers: MedGen CN230736.

Submission:

Ambry Genetics
Classification: Likely pathogenic for Cardiovascular phenotype. Last evaluated: 2022-11-28. Review status: criteria provided, single submitter. Criteria: Ambry Variant Classification Scheme 2023. Collection method: clinical testing. Allele origin: germline.
Comment: The c.75922_75929delGAATGCCA variant, located in coding exon 185 of the TTN gene, results from a deletion of 8 nucleotides at nucleotide positions 75922 to 75929, causing a translational frameshift with a predicted alternate stop codon (p.E25308Rfs*8). This exon is located in the M-band region of the N2-B isoform of the titin protein and is constitutively expressed in TTN transcripts (percent spliced in or PSI 100%). This variant is considered to be rare based on population cohorts in the Genome Aggregation Database (gnomAD). This alteration is expected to result in loss of function by premature protein truncation or nonsense-mediated mRNA decay. While truncating variants in TTN are present in 1-3% of the general population, truncating variants in the M-band have been reported in association with autosomal recessive titinopathies, primarily presenting with skeletal myopathy phenotypes (Ceyhan-Birsoy O et al. Neurology. 2013 Oct 1;81(14):1205-14; De Cid R et al. Neurology. 2015;85(24):2126-35). In addition, regardless of their position, TTN truncating variants encoded in constitutive exons (PSI >90%) have been found to be significantly associated with dilated cardiomyopathy (DCM), though truncating variants in the A-band are the most common cause of DCM (Herman DS et al. N. Engl. J. Med., 2012 Feb;366:619-28; Roberts AM et al. Sci Transl Med, 2015 Jan;7:270ra6; Schafer S et al. Nat. Genet., 2017 01;49:46-53). Based on the majority of available evidence to date, this variant is likely to be pathogenic in association with autosomal recessive titinopathy; however, the clinical significance of this alteration with respect to cardiomyopathy remains unclear.

NM_001267550.2(TTN):c.103117_103124del (p.Glu34373fs)

Genes: TTN (titin; minus strand), TTN-AS1 (TTN antisense RNA 1; plus strand). Cytogenetic location: 2q31.2.
Variant type: Deletion.
Coding change: c.103117_103124del on transcript NM_001267550.2 (MANE Select); coding-DNA positions 103117 to 103124, 8 bases deleted (GAATGCCA; older notation c.103117_103124delGAATGCCA).
Protein change: p.Glu34373fs; shifts the reading frame from glutamic acid 34373.
Molecular consequence: frameshift variant.
Genome position (GRCh38, 1-based): chr2:178,533,491-178,533,498, TGGCATTC deleted on the plus strand (GAATGCCA on the coding strand, the reverse complement: TTN is on the minus strand); deleting any 8 consecutive bases within chr2:178,533,491-178,533,500 gives the same sequence; the c. name uses the placement nearest the transcript's 3' end. VCF-style (leftmost placement, unchanged base first): chr2-178533490-TTGGCATTC-T. GRCh37 (hg19) VCF-style: chr2-179398217-TTGGCATTC-T.
Other names: c.98194_98201del, p.Glu32732fs (NM_001256850.1); c.75922_75929del, p.Glu25308fs (NM_003319.4); c.95413_95420del, p.Glu31805fs (NM_133378.4); c.76297_76304del, p.Glu25433fs (NM_133432.3); c.76498_76505del, p.Glu25500fs (NM_133437.4); c.75922_75929delGAATGCCA (NM_003319.4); short protein forms E25500fs, E31805fs, E32732fs, E25308fs, E25433fs, E34373fs.
Identifiers: ClinVar variation 2451856 (VCV002451856.2), dbSNP rs2468495794, ClinGen allele CA2580064898.